The following is an entry in ClinVar:

NM_133510.4(RAD51B):c.533A>G (p.His178Arg)

Gene: RAD51B (RAD51 paralog B; plus strand). Cytogenetic location: 14q24.1.
Variant type: single nucleotide variant.
Coding change: c.533A>G on transcript NM_133510.4 (MANE Select); coding-DNA position 533, A replaced by G.
Protein change: p.His178Arg; replaces histidine 178 with arginine.
Molecular consequence: missense variant.
Genome position (GRCh38, 1-based): chr14:67,885,949, A>G. VCF-style: chr14-67885949-A-G. GRCh37 (hg19) VCF-style: chr14-68352666-A-G.
Other names: c.533A>G, p.His178Arg (NM_001321809.2, NM_001321810.2, NM_001321812.1 and 6 more transcripts); c.419A>G, p.His140Arg (NM_001321815.1); c.176A>G, p.His59Arg (NM_001321817.2); short protein forms H140R, H59R, H178R.
Identifiers: ClinVar variation 3786370 (VCV003786370.1).

ClinVar aggregate classification (germline): Uncertain significance (1 of 4 stars; one submission).

gnomAD v4.1: 5 of 1,607,908 alleles (0.00031%); highest among the groups gnomAD compares: African/African-American, 0.0027%; no homozygotes.

Submission:

Ambry Genetics
Classification: Uncertain significance. Last evaluated: 2024-12-13. Review status: criteria provided, single submitter. Criteria: Ambry Variant Classification Scheme 2023. Collection method: clinical testing. Allele origin: germline.
Comment: The p.H178R variant (also known as c.533A>G), located in coding exon 5 of the RAD51B gene, results from an A to G substitution at nucleotide position 533. The histidine at codon 178 is replaced by arginine, an amino acid with highly similar properties. This amino acid position is conserved. In addition, the in silico prediction for this alteration is inconclusive. Based on the available evidence, the clinical significance of this variant remains unclear.